The following is an entry in ClinVar:

ClinVar aggregate classification (germline): Uncertain significance (1 of 4 stars; one submission).

Allele frequency attached by ClinVar (database versions not stated): gnomAD exomes below 0.00001.
gnomAD v4.1: 1 of 1,614,032 alleles (0.000062%); highest among the groups gnomAD compares: Non-Finnish European, 0.000085%; no homozygotes.

Submission:

Labcorp Genetics (formerly Invitae), Labcorp
Classification: Uncertain significance. Last evaluated: 2025-09-02. Review status: criteria provided, single submitter. Criteria: Invitae Variant Classification Sherloc (09022015). Collection method: clinical testing. Allele origin: germline.
Comment: This sequence change replaces proline, which is neutral and non-polar, with leucine, which is neutral and non-polar, at codon 371 of the HTRA2 protein (p.Pro371Leu). This variant is not present in population databases (gnomAD no frequency). This variant has not been reported in the literature in individuals affected with HTRA2-related conditions. ClinVar contains an entry for this variant (Variation ID: 1513806). Invitae Evidence Modeling of protein sequence and biophysical properties (such as structural, functional, and spatial information, amino acid conservation, physicochemical variation, residue mobility, and thermodynamic stability) indicates that this missense variant is not expected to disrupt HTRA2 protein function with a negative predictive value of 80%. In summary, the available evidence is currently insufficient to determine the role of this variant in disease. Therefore, it has been classified as a Variant of Uncertain Significance.

NM_013247.5(HTRA2):c.1112C>T (p.Pro371Leu)

Gene: HTRA2 (HtrA serine peptidase 2; plus strand). Cytogenetic location: 2p13.1.
Variant type: single nucleotide variant.
Coding change: c.1112C>T on transcript NM_013247.5 (MANE Select); coding-DNA position 1112, C replaced by T.
Protein change: p.Pro371Leu; replaces proline 371 with leucine.
Molecular consequence: missense variant. On other transcripts: non-coding transcript variant (4).
Genome position (GRCh38, 1-based): chr2:74,531,922, C>T. VCF-style: chr2-74531922-C-T. GRCh37 (hg19) VCF-style: chr2-74759049-C-T.
Other names: c.1142C>T, p.Pro381Leu (NM_001321727.1); c.1112C>T, p.Pro371Leu (NM_001321728.1); c.917C>T, p.Pro306Leu (NM_145074.2); short protein forms P306L, P381L, P371L.
Identifiers: ClinVar variation 1513806 (VCV001513806.4), dbSNP rs2104376194, ClinGen allele CA347381573.
Genomic context (GRCh38, chr2:74,531,922, plus strand): 5'-CCTCCGGAATCAGTGGGTCCCAGCGGCGCTACATTGGGGTGATGATGCTGACCCTGAGTC[C>T]CAGGTATGAGCTTTAGGGACAGTGACATGTAATGTGACCAGTGTAATCAGAGGGGGGCAC-3'
Protein context (NP_037379.1, residues 361-381): YIGVMMLTLS[Pro371Leu]SILAELQLRE